The following is an entry in ClinVar:

ClinVar aggregate classification (germline): Likely benign. Review status: criteria provided, multiple submitters, no conflicts (2 of 4 stars). 2 submissions from 2 submitters: Likely benign (2). Last evaluated 2025-05-22.

Allele frequency attached by ClinVar (database versions not stated): gnomAD exomes below 0.00001 and 0.00001; ExAC 0.00002; gnomAD 0.00005 and 0.00006; TOPMed 0.00005; 1000 Genomes Project 30x 0.00016; 1000 Genomes Project 0.00020.
gnomAD v4.1: 12 of 1,613,896 alleles (0.00074%); highest among the groups gnomAD compares: African/African-American, 0.012%; no homozygotes.

Submissions (2):

Labcorp Genetics (formerly Invitae), Labcorp
Classification: Likely benign. Last evaluated: 2025-05-22. Review status: criteria provided, single submitter. Criteria: Invitae Variant Classification Sherloc (09022015). Collection method: clinical testing. Allele origin: germline.

GeneDx
Classification: Likely benign. Last evaluated: 2017-06-26. Review status: criteria provided, single submitter. Criteria: GeneDx Variant Classification (06012015). Collection method: clinical testing. Allele origin: germline. Affected: yes.
Comment: This variant is considered likely benign or benign based on one or more of the following criteria: it is a conservative change, it occurs at a poorly conserved position in the protein, it is predicted to be benign by multiple in silico algorithms, and/or has population frequency not consistent with disease.

NM_012233.3(RAB3GAP1):c.482+18A>G

Gene: RAB3GAP1 (RAB3 GTPase activating protein catalytic subunit 1; plus strand). Cytogenetic location: 2q21.3.
Variant type: single nucleotide variant.
Coding change: c.482+18A>G on transcript NM_012233.3 (MANE Select); 18 bases into the intron after coding-DNA position 482, A replaced by G.
Molecular consequence: intron variant.
Genome position (GRCh38, 1-based): chr2:135,113,288, A>G. VCF-style: chr2-135113288-A-G. GRCh37 (hg19) VCF-style: chr2-135870858-A-G.
Other names: c.482+18A>G (NM_001172435.2).
Identifiers: ClinVar variation 510037 (VCV000510037.2), dbSNP rs535165082, ClinGen allele CA1884545.
Genomic context (GRCh38, chr2:135,113,288, plus strand): 5'-TTCTTCTGAGTTCTGTTTCTATTGCCTTGGGAAACACTGGCTGGTGAGTGGACATTTTTT[A>G]AAACCTAGACAAAAAAACTGTTTTTAACAATAATTTATGAAGGCAAACAGTTATTAAATG-3'